The following is an entry in ClinVar:

NM_006019.4(TCIRG1):c.1674G>A (p.Val558=)

Gene: TCIRG1 (T cell immune regulator 1, ATPase H+ transporting V0 subunit a3; plus strand). Cytogenetic location: 11q13.2.
Variant type: single nucleotide variant.
Coding change: c.1674G>A on transcript NM_006019.4 (MANE Select); coding-DNA position 1674, G replaced by A.
Protein change: p.Val558=; no amino-acid change (valine 558 retained).
Molecular consequence: synonymous variant.
Genome position (GRCh38, 1-based): chr11:68,049,081, G>A. VCF-style: chr11-68049081-G-A. GRCh37 (hg19) VCF-style: chr11-67816548-G-A.
Other names: TCIRG1,IVS15AS, G-A, -1; IVS15AS, G-A, -1; c.780G>A, p.Val260= (NM_001351059.2); c.1026G>A, p.Val342= (NM_006053.4).
Identifiers: ClinVar variation 5461 (VCV000005461.3), dbSNP rs745971874, ClinGen allele CA6147238.

ClinVar aggregate classification (germline): Uncertain significance. Review status: criteria provided, single submitter (1 of 4 stars). 2 submissions from 2 submitters: Uncertain significance (1). 1 of the submissions does not count toward it. Last evaluated 2024-11-04.

Conditions:
Autosomal recessive osteopetrosis 1. Also called: TCIRG1-Related Autosomal Recessive Osteopetrosis; ALBERS-SCHONBERG DISEASE, AUTOSOMAL RECESSIVE; TCIRG1-Related Osteopetrosis. Identifiers: Orphanet 667, MedGen C1850127, MONDO:0009815, OMIM 259700.

Allele frequency attached by ClinVar (database versions not stated): ExAC 0.00002; gnomAD exomes 0.00001.
gnomAD v4.1: 3 of 1,613,368 alleles (0.00019%); highest among the groups gnomAD compares: Non-Finnish European, 0.00025%; no homozygotes.

Submissions (2):

Labcorp Genetics (formerly Invitae), Labcorp
Classification: Uncertain significance. Last evaluated: 2024-11-04. Review status: criteria provided, single submitter. Criteria: Invitae Variant Classification Sherloc (09022015). Collection method: clinical testing. Allele origin: germline.
Comment: This sequence change affects codon 558 of the TCIRG1 mRNA. It is a 'silent' change, meaning that it does not change the encoded amino acid sequence of the TCIRG1 protein. It affects a nucleotide within the consensus splice site. This variant is present in population databases (rs745971874, gnomAD 0.002%). This variant has not been reported in the literature in individuals affected with TCIRG1-related conditions. ClinVar contains an entry for this variant (Variation ID: 5461). Algorithms developed to predict the effect of sequence changes on RNA splicing suggest that this variant is not likely to affect RNA splicing. In summary, the available evidence is currently insufficient to determine the role of this variant in disease. Therefore, it has been classified as a Variant of Uncertain Significance.

OMIM
Classification: Pathogenic for OSTEOPETROSIS, AUTOSOMAL RECESSIVE 1. Last evaluated: 2000-07-01. Review status: no assertion criteria provided. Collection method: literature only. Allele origin: germline. Not counted in ClinVar's aggregate classification.

Literature cited by the submitters: PubMed 10888887 (cited by OMIM).